The following is an entry in ClinVar:

NM_012213.3(MLYCD):c.1073C>T (p.Ser358Leu)

Gene: MLYCD (malonyl-CoA decarboxylase; plus strand). Cytogenetic location: 16q23.3.
Variant type: single nucleotide variant.
Coding change: c.1073C>T on transcript NM_012213.3 (MANE Select); coding-DNA position 1073, C replaced by T.
Protein change: p.Ser358Leu; replaces serine 358 with leucine.
Molecular consequence: missense variant.
Genome position (GRCh38, 1-based): chr16:83,915,080, C>T. VCF-style: chr16-83915080-C-T. GRCh37 (hg19) VCF-style: chr16-83948685-C-T.
Other names: short protein forms S358L.
Identifiers: ClinVar variation 2074866 (VCV002074866.4), dbSNP rs200573073, ClinGen allele CA8197497.

ClinVar aggregate classification (germline): Uncertain significance. Review status: criteria provided, multiple submitters, no conflicts (2 of 4 stars). 2 submissions from 2 submitters: Uncertain significance (2). Last evaluated 2022-06-13.

Conditions:
Deficiency of malonyl-CoA decarboxylase. Also called: Malonic aciduria; MCD deficiency. Identifiers: Orphanet 943, MedGen C0342793, MONDO:0009556, OMIM 248360.

Allele frequency attached by ClinVar (database versions not stated): ESP Exome Variant Server 0.00008.
gnomAD v4.1: 65 of 1,614,108 alleles (0.004%); highest among the groups gnomAD compares: Admixed American, 0.032%; no homozygotes.

Submissions (2):

Labcorp Genetics (formerly Invitae), Labcorp
Classification: Uncertain significance for Deficiency of malonyl-CoA decarboxylase. Last evaluated: 2022-06-13. Review status: criteria provided, single submitter. Criteria: Invitae Variant Classification Sherloc (09022015). Collection method: clinical testing. Allele origin: germline.
Comment: This sequence change replaces serine, which is neutral and polar, with leucine, which is neutral and non-polar, at codon 358 of the MLYCD protein (p.Ser358Leu). This variant is present in population databases (rs200573073, gnomAD 0.04%). This variant has not been reported in the literature in individuals affected with MLYCD-related conditions. Algorithms developed to predict the effect of missense changes on protein structure and function output the following: SIFT: "Tolerated"; PolyPhen-2: "Benign"; Align-GVGD: "Class C0". The leucine amino acid residue is found in multiple mammalian species, which suggests that this missense change does not adversely affect protein function. In summary, the available evidence is currently insufficient to determine the role of this variant in disease. Therefore, it has been classified as a Variant of Uncertain Significance.

Revvity Omics, Revvity
Classification: Uncertain significance for Deficiency of malonyl-CoA decarboxylase. Last evaluated: 2021-05-01. Review status: criteria provided, single submitter. Criteria: ACMG Guidelines, 2015. Collection method: clinical testing. Allele origin: germline.